The following is an entry in ClinVar:

NM_000142.5(FGFR3):c.131G>A (p.Gly44Asp)

Gene: FGFR3 (fibroblast growth factor receptor 3; plus strand). Cytogenetic location: 4p16.3.
Variant type: single nucleotide variant.
Coding change: c.131G>A on transcript NM_000142.5 (MANE Select); coding-DNA position 131, G replaced by A.
Protein change: p.Gly44Asp; replaces glycine 44 with aspartic acid.
Molecular consequence: missense variant. On other transcripts: non-coding transcript variant (1).
Genome position (GRCh38, 1-based): chr4:1,799,275, G>A. VCF-style: chr4-1799275-G-A. GRCh37 (hg19) VCF-style: chr4-1801002-G-A.
Other names: c.131G>A, p.Gly44Asp (NM_001354809.2, NM_001354810.2, NM_022965.4 and 1 more transcripts); short protein forms G44D.
Identifiers: ClinVar variation 3676191 (VCV003676191.2).

ClinVar aggregate classification (germline): Uncertain significance (1 of 4 stars; one submission).

gnomAD v4.1: 2 of 1,612,658 alleles (0.00012%); highest among the groups gnomAD compares: Middle Eastern, 0.017%; no homozygotes.

Submission:

Labcorp Genetics (formerly Invitae), Labcorp
Classification: Uncertain significance. Last evaluated: 2024-10-23. Review status: criteria provided, single submitter. Criteria: Invitae Variant Classification Sherloc (09022015). Collection method: clinical testing. Allele origin: germline.
Comment: This sequence change replaces glycine, which is neutral and non-polar, with aspartic acid, which is acidic and polar, at codon 44 of the FGFR3 protein (p.Gly44Asp). This variant is not present in population databases (gnomAD no frequency). This variant has not been reported in the literature in individuals affected with FGFR3-related conditions. Invitae Evidence Modeling of protein sequence and biophysical properties (such as structural, functional, and spatial information, amino acid conservation, physicochemical variation, residue mobility, and thermodynamic stability) has been performed for this missense variant. However, the output from this modeling did not meet the statistical confidence thresholds required to predict the impact of this variant on FGFR3 protein function. In summary, the available evidence is currently insufficient to determine the role of this variant in disease. Therefore, it has been classified as a Variant of Uncertain Significance.